The following is an entry in ClinVar:

NM_001111.5(ADAR):c.2422A>T (p.Thr808Ser)

Gene: ADAR (adenosine deaminase RNA specific; minus strand). Cytogenetic location: 1q21.3.
Variant type: single nucleotide variant.
Coding change: c.2422A>T on transcript NM_001111.5 (MANE Select); coding-DNA position 2422, A replaced by T.
Protein change: p.Thr808Ser; replaces threonine 808 with serine.
Molecular consequence: missense variant. On other transcripts: intron variant (3).
Genome position (GRCh38, 1-based): chr1:154,590,258, T>A on the plus strand (A>T on the coding strand, the complement: ADAR is on the minus strand). VCF-style: chr1-154590258-T-A. GRCh37 (hg19) VCF-style: chr1-154562734-T-A.
Other names: c.1537A>T, p.Thr513Ser (NM_001025107.3, NM_001193495.2, NM_001365046.1 and 2 more transcripts); c.2449A>T, p.Thr817Ser (NM_001365045.1); c.1533+4A>T (NM_001365049.1); c.2361+4A>T (NM_015841.4); c.2418+4A>T (NM_015840.4); short protein forms T817S, T513S, T808S.
Identifiers: ClinVar variation 4784073 (VCV004784073.1).
Genomic context (GRCh38, chr1:154,590,258, plus strand): 5'-CTTCTGGGGACCTTGAGAGGAGGAGCATAGTTCTTCTGAGACTGGCCCCTGTCACTGGGG[T>A]TACCTCTGTGAAACCCATGCGTTCTGCCTTCTCGTTCTCCCCAATCAAGACACGGAGAGC-3'
Protein context (NP_001102.3, residues 798-818): KAERMGFTEV[Thr808Ser]PVTGASLRRT

ClinVar aggregate classification (germline): Uncertain significance (1 of 4 stars; one submission).

Conditions:
Aicardi-Goutieres syndrome 6 (AGS6). Identifiers: Orphanet 51, MedGen C3539013, MONDO:0014007, OMIM 615010.
Symmetrical dyschromatosis of extremities (DSH). Also called: Dyschromatosis symmetrica hereditaria; DYSCHROMATOSIS SYMMETRICA HEREDITARIA 1; RETICULATE ACROPIGMENTATION OF DOHI; SYMMETRIC DYSCHROMATOSIS OF THE EXTREMITIES. Identifiers: Orphanet 41, MedGen C0406775, MONDO:0007483, OMIM 127400.

gnomAD v4.1: 1 of 1,612,118 alleles (0.000062%); highest among the groups gnomAD compares: African/African-American, 0.0013%; no homozygotes.

Submission:

Labcorp Genetics (formerly Invitae), Labcorp
Classification: Uncertain significance for Aicardi-Goutieres syndrome 6; Symmetrical dyschromatosis of extremities. Last evaluated: 2025-02-06. Review status: criteria provided, single submitter. Criteria: Invitae Variant Classification Sherloc (09022015). Collection method: clinical testing. Allele origin: germline.
Comment: This sequence change replaces threonine, which is neutral and polar, with serine, which is neutral and polar, at codon 808 of the ADAR protein (p.Thr808Ser). This variant is not present in population databases (gnomAD no frequency). This variant has not been reported in the literature in individuals affected with ADAR-related conditions. An algorithm developed to predict the effect of missense changes on protein structure and function (PolyPhen-2) suggests that this variant is likely to be tolerated. In summary, the available evidence is currently insufficient to determine the role of this variant in disease. Therefore, it has been classified as a Variant of Uncertain Significance.